The following is an entry in ClinVar:

NM_001330260.2(SCN8A):c.484G>A (p.Glu162Lys)

Gene: SCN8A (sodium voltage-gated channel alpha subunit 8; plus strand). Cytogenetic location: 12q13.13.
Variant type: single nucleotide variant.
Coding change: c.484G>A on transcript NM_001330260.2 (MANE Select); coding-DNA position 484, G replaced by A.
Protein change: p.Glu162Lys; replaces glutamic acid 162 with lysine.
Molecular consequence: missense variant.
Genome position (GRCh38, 1-based): chr12:51,686,456, G>A. VCF-style: chr12-51686456-G-A. GRCh37 (hg19) VCF-style: chr12-52080240-G-A.
Other names: c.484G>A, p.Glu162Lys (NM_001177984.3, NM_001369788.1, NM_014191.4); short protein forms E162K.
Identifiers: ClinVar variation 3572779 (VCV003572779.1).
Genomic context (GRCh38, chr12:51,686,456, plus strand): 5'-ATTTTGACCAACTGTGTATTCATGACTTTTAGTAACCCTCCTGACTGGTCGAAGAATGTG[G>A]AGTAAGTAACTCATTTATGTGTGTGCTTGTTTGTTTTAAATATTTTTAGTCACTAAATCT-3'
Protein context (NP_001317189.1, residues 152-172): SNPPDWSKNV[Glu162Lys]YTFTGIYTFE

ClinVar aggregate classification (germline): Uncertain significance (1 of 4 stars; one submission).

Submission:

GeneDx
Classification: Uncertain significance. Last evaluated: 2024-07-11. Review status: criteria provided, single submitter. Criteria: GeneDx Variant Classification Process June 2021. Collection method: clinical testing. Allele origin: germline. Affected: yes.
Comment: Not observed at significant frequency in large population cohorts (gnomAD); In silico analysis supports that this missense variant has a deleterious effect on protein structure/function; This substitution is predicted to be within the transmembrane segment S2 of the first homologous domain; Has not been previously published as pathogenic or benign to our knowledge